The following is an entry in ClinVar:

ClinVar aggregate classification (germline): Pathogenic/Likely pathogenic. Review status: criteria provided, multiple submitters, no conflicts (2 of 4 stars). 9 submissions from 9 submitters: Pathogenic (3); Likely pathogenic (6). Last evaluated 2026-01-27.

Conditions:
Hereditary pheochromocytoma and paraganglioma. Also called: Hereditary Paraganglioma-Pheochromocytoma Syndromes; Hereditary pheochromocytoma-paraganglioma; Hereditary paragangliomas and pheochromocytomas. Identifiers: Orphanet 29072, MedGen C4274332, MONDO:0017366.
Hereditary cancer-predisposing syndrome. Also called: Neoplastic Syndromes, Hereditary; Hereditary neoplastic syndrome; Hereditary Cancer Syndrome; Tumor predisposition. Identifiers: Orphanet 140162, MedGen C0027672, MeSH D009386, MONDO:0015356.
Gastrointestinal stromal tumor. Also called: Gastrointestinal stromal tumor, somatic; Gastrointestinal stroma tumor. Identifiers: Orphanet 44890, MedGen C0238198, MeSH D046152, MONDO:0011719, OMIM 606764, HP:0100723.
Pheochromocytoma. Also called: MAX-Related Hereditary Paraganglioma-Pheochromocytoma Syndrome. Identifiers: Orphanet 29072, MedGen C0031511, MONDO:0008233, OMIM 171300, HP:0002666.
Pheochromocytoma/paraganglioma syndrome 4. Also called: PARAGANGLIOMA, FAMILIAL MALIGNANT; PARAGANGLIOMAS, HEREDITARY EXTRAADRENAL; PHEOCHROMOCYTOMA, FAMILIAL EXTRAADRENAL; Paragangliomas 4; SDHB-Related Hereditary Paraganglioma-Pheochromocytoma Syndrome (Paragangliomas 4); SDHB-Related Hereditary Paraganglioma-Pheochromocytoma Syndrome. Identifiers: Orphanet 29072, MedGen C1861848, MONDO:0007273, OMIM 115310.

Allele frequency attached by ClinVar (database versions not stated): gnomAD exomes below 0.00001; TOPMed below 0.00001; gnomAD 0.00001.
gnomAD v4.1: 4 of 1,613,338 alleles (0.00025%); highest among the groups gnomAD compares: Admixed American, 0.0067%; no homozygotes.

Submissions (9):

Myriad Genetics, Inc.
Classification: Likely pathogenic for Pheochromocytoma/paraganglioma syndrome 4. Last evaluated: 2026-01-27. Review status: criteria provided, single submitter. Criteria: Myriad Autosomal Dominant, Autosomal Recessive and X-Linked Classification Criteria (2023). Collection method: clinical testing. Allele origin: unknown.
Comment: This variant is considered likely pathogenic. This variant has been reported in multiple individuals with clinical features of gene-specific disease [PMID: 34255389, 33789101, External communications 2026]. This variant is expected to disrupt protein structure [Myriad internal data].

Labcorp Genetics (formerly Invitae), Labcorp
Classification: Pathogenic for Gastrointestinal stromal tumor; Pheochromocytoma/paraganglioma syndrome 4; Pheochromocytoma. Last evaluated: 2025-12-28. Review status: criteria provided, single submitter. Criteria: Invitae Variant Classification Sherloc (09022015). Collection method: clinical testing. Allele origin: germline.
Comment: This sequence change replaces aspartic acid, which is acidic and polar, with alanine, which is neutral and non-polar, at codon 74 of the SDHB protein (p.Asp74Ala). This variant is present in population databases (no rsID available, gnomAD 0.006%). This missense change has been observed in individuals with paraganglioma (PGL), gastrointestinal stromal tumor, and renal cell carcinoma including SDH-deficient tumors ( (external communications, internal data). It has also been observed to segregate with disease in related individuals. ClinVar contains an entry for this variant (Variation ID: 230694). Invitae Evidence Modeling of protein sequence and biophysical properties (such as structural, functional, and spatial information, amino acid conservation, physicochemical variation, residue mobility, and thermodynamic stability) indicates that this missense variant is expected to disrupt SDHB protein function with a positive predictive value of 80%. For these reasons, this variant has been classified as Pathogenic.

Color Diagnostics, LLC DBA Color Health
Classification: Likely pathogenic for Hereditary pheochromocytoma and paraganglioma. Last evaluated: 2025-09-22. Review status: criteria provided, single submitter. Criteria: ACMG Guidelines, 2015. Collection method: clinical testing. Allele origin: germline.
Comment: This missense variant replaces aspartic acid with alanine at codon 74 of the SDHB protein. Computational prediction suggests that this variant may have deleterious impact on protein structure and function. To our knowledge, functional studies have not been reported for this variant. This variant has been reported in individuals affected with paraganglioma, gastrointestinal stromal tumor, and renal cell carcinoma (PMID: 34255389, ClinVar: SCV000274333, SCV001772221, SCV000605079). This variant has been identified in 1/251336 chromosomes in the general population by the Genome Aggregation Database (gnomAD). Based on the available evidence, this variant is classified as Likely Pathogenic.

GeneDx
Classification: Pathogenic. Last evaluated: 2025-08-29. Review status: criteria provided, single submitter. Criteria: GeneDx Variant Classification Process June 2021. Collection method: clinical testing. Allele origin: germline. Affected: yes.
Comment: Identified in individuals undergoing screening for Hereditary PGL/PCC syndrome in published literature (PMID: 32741965); Not observed at significant frequency in large population cohorts (gnomAD); In silico analysis supports that this missense variant has a deleterious effect on protein structure/function; This variant is associated with the following publications: (PMID: 34906457, 32741965, 34255389)

Ambry Genetics
Classification: Pathogenic for Hereditary cancer-predisposing syndrome. Last evaluated: 2024-07-23. Review status: criteria provided, single submitter. Criteria: Ambry Variant Classification Scheme 2023. Collection method: clinical testing. Allele origin: germline.
Comment: The c.221A>C (p.D74A) alteration is located in exon 3 (coding exon 3) of the SDHB gene. This alteration results from a A to C substitution at nucleotide position 221, causing the aspartic acid (D) at amino acid position 74 to be replaced by an alanine (A). Based on data from gnomAD, the C allele has an overall frequency of <0.001% (1/251336) total alleles studied. The highest observed frequency was 0.003% (1/34586) of Latino alleles. This alteration has been observed in multiple individuals with a personal and/or family history that is consistent with SDHB-related disease and co-segregated with disease in at least one family (Greenberg, 2021; Ambry internal data). This amino acid position is highly conserved in available vertebrate species. This alteration is predicted to be deleterious by in silico analysis. Based on the available evidence, this alteration is classified as pathogenic.

All of Us Research Program, National Institutes of Health
Classification: Likely pathogenic for Hereditary pheochromocytoma and paraganglioma. Last evaluated: 2024-04-30. Review status: criteria provided, single submitter. Criteria: ACMG Guidelines, 2015. Collection method: clinical testing. Allele origin: germline. Inheritance: Autosomal dominant inheritance. Observed: 3 variant alleles, 3 heterozygotes.
Comment: This missense variant replaces aspartic acid with alanine at codon 74 of the SDHB protein. Computational prediction suggests that this variant may have deleterious impact on protein structure and function (internally defined REVEL score threshold >= 0.7, PMID: 27666373). To our knowledge, functional studies have not been reported for this variant. This variant has been reported in individuals affected with paraganglioma (PGL), gastrointestinal stromal tumor (GIST), and renal cell carcinoma (RCC) (PMID: 34255389, ClinVar: SCV000274333, SCV001772221, SCV000605079). This variant has been identified in 1/251336 chromosomes in the general population by the Genome Aggregation Database (gnomAD). Based on the available evidence, this variant is classified as Likely Pathogenic.

This study involves interpretation of variants in research participants for the purpose of population health screening. Participant phenotype was not available at the time of variant classification. Additional details can be found in publication PMID: 35346344, PMCID: PMC8962531

Baylor Genetics
Classification: Likely pathogenic for Gastrointestinal stromal tumor. Last evaluated: 2024-02-19. Review status: criteria provided, single submitter. Criteria: ACMG Guidelines, 2015. Collection method: clinical testing. Allele origin: unknown.

Human Genome Sequencing Center Clinical Lab, Baylor College of Medicine
Classification: Likely pathogenic for paragangliomas 4. Last evaluated: 2023-11-16. Review status: criteria provided, single submitter. Criteria: ACMG Guidelines, 2015. Collection method: clinical testing. Allele origin: unknown.
Comment: The c.221A>C (p.Asp74Ala) variant in the SDHB gene is located on the exon 3 and is predicted to replace aspartic acid with alanine at codon 74 (p.Asp74Ala). The variant has been reported in individuals with paraganglioma/pheochromocytoma (PMID: 34255389, 34906457). The variant is reported to segregate with diseease by several ClinVar submitters (ID: 230694). The variant is rare in general population according to gnomAD (1/251336). Computational prediction algorithms suggest a deleterious impact for this variant (REVEL score 0.939). Therefore, the c.221A>C (p.Asp74Ala) variant of SDHB has been classified as likely pathogenic.

ARUP Laboratories, Molecular Genetics and Genomics, ARUP Laboratories
Classification: Likely pathogenic. Last evaluated: 2022-02-11. Review status: criteria provided, single submitter. Criteria: ARUP Molecular Germline Variant Investigation Process 2021. Collection method: clinical testing. Allele origin: germline.
Comment: The SDHB c.221A>C; p.Asp74Ala variant (rs876658713) is reported in the literature in an individual affected with hereditary paraganglioma-pheochromocytoma syndrome (Greenberg 2020). This variant has also been observed in multiple patients affected with paraganglioma and renal cell carcinoma including SDH-deficient tumors at ARUP and other laboratories (external communications). This variant is also reported in ClinVar (Variation ID: 230694), but is only observed on one allele in the Genome Aggregation Database, indicating it is not a common polymorphism. The aspartate at codon 74 is highly conserved, and computational analyses predict that this variant is deleterious (REVEL: 0.939). Based on available information, this variant is considered to be likely pathogenic. References: Greenberg SE et al. Tumor detection rates in screening of individuals with SDHx-related hereditary paraganglioma-pheochromocytoma syndrome. Genet Med. 2020 Dec;22(12):2101-2107. PMID: 32741965.

Literature cited by the submitters: PubMed 34255389 (cited by 4 submitters); PubMed 33789101 (cited by Myriad Genetics, Inc.).

NM_003000.3(SDHB):c.221A>C (p.Asp74Ala)

Gene: SDHB (succinate dehydrogenase complex iron sulfur subunit B; minus strand). Cytogenetic location: 1p36.13.
Variant type: single nucleotide variant.
Coding change: c.221A>C on transcript NM_003000.3 (MANE Select); coding-DNA position 221, A replaced by C.
Protein change: p.Asp74Ala; replaces aspartic acid 74 with alanine.
Molecular consequence: missense variant.
Genome position (GRCh38, 1-based): chr1:17,033,125, T>G on the plus strand (A>C on the coding strand, the complement: SDHB is on the minus strand). VCF-style: chr1-17033125-T-G. GRCh37 (hg19) VCF-style: chr1-17359620-T-G.
Other names: short protein forms D74A.
Identifiers: ClinVar variation 230694 (VCV000230694.34), dbSNP rs876658713, ClinGen allele CA10577678.